The following is an entry in ClinVar:

ClinVar aggregate classification (germline): Uncertain significance (1 of 4 stars; one submission).

Conditions:
Dyskeratosis congenita, autosomal recessive 5 (DKCB5). Identifiers: MedGen C3554656, MONDO:0014076, OMIM 615190.
Pulmonary fibrosis and/or bone marrow failure, Telomere-related, 3. Also called: PULMONARY FIBROSIS AND/OR BONE MARROW FAILURE SYNDROME, TELOMERE-RELATED, 3. Identifiers: Orphanet 2032, MedGen C4225346, MONDO:0014613, OMIM 616373.

gnomAD v4.1: 1 of 1,612,470 alleles (0.000062%); highest among the groups gnomAD compares: Non-Finnish European, 0.000085%; no homozygotes.

Submission:

Labcorp Genetics (formerly Invitae), Labcorp
Classification: Uncertain significance for Dyskeratosis congenita, autosomal recessive 5; Pulmonary fibrosis and/or bone marrow failure, Telomere-related, 3. Last evaluated: 2023-10-04. Review status: criteria provided, single submitter. Criteria: Invitae Variant Classification Sherloc (09022015). Collection method: clinical testing. Allele origin: germline.
Comment: This sequence change replaces tyrosine, which is neutral and polar, with serine, which is neutral and polar, at codon 554 of the RTEL1 protein (p.Tyr554Ser). This variant is not present in population databases (gnomAD no frequency). This variant has not been reported in the literature in individuals affected with RTEL1-related conditions. An algorithm developed to predict the effect of missense changes on protein structure and function (PolyPhen-2) suggests that this variant is likely to be tolerated. In summary, the available evidence is currently insufficient to determine the role of this variant in disease. Therefore, it has been classified as a Variant of Uncertain Significance.

NM_001283009.2(RTEL1):c.1661A>C (p.Tyr554Ser)

Genes: RTEL1 (regulator of telomere elongation helicase 1; plus strand), RTEL1-TNFRSF6B (RTEL1-TNFRSF6B readthrough (NMD candidate); plus strand). Cytogenetic location: 20q13.33.
Variant type: single nucleotide variant.
Coding change: c.1661A>C on transcript NM_001283009.2 (MANE Select); coding-DNA position 1661, A replaced by C.
Protein change: p.Tyr554Ser; replaces tyrosine 554 with serine.
Molecular consequence: missense variant. On other transcripts: non-coding transcript variant (1).
Genome position (GRCh38, 1-based): chr20:63,688,325, A>C. VCF-style: chr20-63688325-A-C. GRCh37 (hg19) VCF-style: chr20-62319678-A-C.
Other names: c.992A>C, p.Tyr331Ser (NM_001283010.1); c.1661A>C, p.Tyr554Ser (NM_016434.4); c.1733A>C, p.Tyr578Ser (NM_032957.5); short protein forms Y331S, Y554S, Y578S.
Identifiers: ClinVar variation 2934097 (VCV002934097.3), dbSNP rs1046172136, ClinGen allele CA409677613.